The following is an entry in ClinVar:

NM_000268.4(NF2):c.857A>G (p.Asn286Ser)

Gene: NF2 (NF2, moesin-ezrin-radixin like (MERLIN) tumor suppressor; plus strand). Cytogenetic location: 22q12.2.
Variant type: single nucleotide variant.
Coding change: c.857A>G on transcript NM_000268.4 (MANE Select); coding-DNA position 857, A replaced by G.
Protein change: p.Asn286Ser; replaces asparagine 286 with serine.
Molecular consequence: missense variant. On other transcripts: non-coding transcript variant (1), intron variant (1).
Genome position (GRCh38, 1-based): chr22:29,665,036, A>G. VCF-style: chr22-29665036-A-G. GRCh37 (hg19) VCF-style: chr22-30061025-A-G.
Other names: c.857A>G, p.Asn286Ser (NM_016418.5, NM_181825.3, NM_181832.3); c.731A>G, p.Asn244Ser (NM_181828.3); c.734A>G, p.Asn245Ser (NM_181829.3); c.608A>G, p.Asn203Ser (NM_181830.3, NM_181831.3); c.447+22751A>G (NM_181833.3); short protein forms N203S, N244S, N245S, N286S.
Identifiers: ClinVar variation 1008963 (VCV001008963.9), dbSNP rs757074151, ClinGen allele CA035473.

ClinVar aggregate classification (germline): Uncertain significance (1 of 4 stars; one submission).

Conditions:
Neurofibromatosis, type 2 (SWNV). Also called: BILATERAL ACOUSTIC NEUROFIBROMATOSIS; SCHWANNOMATOSIS, VESTIBULAR; NF2-Related Schwannomatosis. Identifiers: Orphanet 637, MedGen C0027832, MONDO:0007039, OMIM 101000. Disease mechanism: loss of function.

Allele frequency attached by ClinVar (database versions not stated): gnomAD exomes below 0.00001; ExAC 0.00001.
gnomAD v4.1: 2 of 1,613,774 alleles (0.00012%); highest among the groups gnomAD compares: South Asian, 0.0022%; no homozygotes.

Submission:

Labcorp Genetics (formerly Invitae), Labcorp
Classification: Uncertain significance for Neurofibromatosis, type 2. Last evaluated: 2020-09-11. Review status: criteria provided, single submitter. Criteria: Invitae Variant Classification Sherloc (09022015). Collection method: clinical testing. Allele origin: germline.
Comment: Algorithms developed to predict the effect of sequence changes on RNA splicing suggest that this variant may create or strengthen a splice site, but this prediction has not been confirmed by published transcriptional studies. Algorithms developed to predict the effect of missense changes on protein structure and function (SIFT, PolyPhen-2, Align-GVGD) all suggest that this variant is likely to be tolerated, but these predictions have not been confirmed by published functional studies and their clinical significance is uncertain. This variant has not been reported in the literature in individuals with NF2-related conditions. This variant is present in population databases (rs757074151, ExAC 0.006%). This sequence change replaces asparagine with serine at codon 286 of the NF2 protein (p.Asn286Ser). The asparagine residue is moderately conserved and there is a small physicochemical difference between asparagine and serine. In summary, the available evidence is currently insufficient to determine the role of this variant in disease. Therefore, it has been classified as a Variant of Uncertain Significance.